The following is an entry in ClinVar:

NM_001394062.1(MACF1):c.11950C>T (p.Arg3984Ter)

Genes: MACF1 (microtubule actin crosslinking factor 1; plus strand), LOC126805711 (CDK7 strongly-dependent group 2 enhancer GRCh37_chr1:39824023-39825222; plus strand). Cytogenetic location: 1p34.3.
Variant type: single nucleotide variant.
Coding change: c.11950C>T on transcript NM_001394062.1 (MANE Select); coding-DNA position 11950, C replaced by T.
Protein change: p.Arg3984Ter; replaces arginine 3984 with a stop codon.
Molecular consequence: nonsense.
Genome position (GRCh38, 1-based): chr1:39,358,703, C>T. VCF-style: chr1-39358703-C-T. GRCh37 (hg19) VCF-style: chr1-39824375-C-T.
Other names: c.5764C>T, p.Arg1922Ter (NM_012090.5); short protein forms R1922*, R3984*.
Identifiers: ClinVar variation 3349148 (VCV003349148.1).

ClinVar aggregate classification (germline): Uncertain significance (0 of 4 stars; one submission).

Conditions:
MACF1-related disorder. Also called: MACF1-related condition.

Submission:

PreventionGenetics, part of Exact Sciences
Classification: Uncertain significance for MACF1-related condition. Last evaluated: 2024-09-13. Review status: no assertion criteria provided. Collection method: clinical testing. Allele origin: germline.
Comment: The MACF1 c.5764C>T variant is predicted to result in premature protein termination (p.Arg1922*). To our knowledge, this variant has not been reported in the literature or in a large population database, indicating this variant is rare. Only a limited number of loss-of-function variants have been reported in this gene to date, and therefore the functional consequences of this variant are unclear (Human Gene Mutation Database). Authors of one study speculated that the majority of causative missense variants in this gene may lead to a gain-of-function or dominant-negative mechanism, while loss-of-function variants could potentially result in neurodevelopmental disorders with incomplete penetrance (Dobyns et al. 2018. PubMed ID: 30471716). Although we suspect that this variant may be pathogenic, at this time, the clinical significance of this variant is uncertain due to the absence of conclusive functional and genetic evidence.